The following is an entry in ClinVar:

NM_005199.5(CHRNG):c.715C>T (p.Arg239Cys)

Gene: CHRNG (cholinergic receptor nicotinic gamma subunit; plus strand). Cytogenetic location: 2q37.1.
Variant type: single nucleotide variant.
Coding change: c.715C>T on transcript NM_005199.5 (MANE Select); coding-DNA position 715, C replaced by T.
Protein change: p.Arg239Cys; replaces arginine 239 with cysteine.
Molecular consequence: missense variant.
Genome position (GRCh38, 1-based): chr2:232,542,992, C>T. VCF-style: chr2-232542992-C-T. GRCh37 (hg19) VCF-style: chr2-233407702-C-T.
Other names: R217C; short protein forms R239C.
Identifiers: ClinVar variation 18337 (VCV000018337.15), dbSNP rs121912670, ClinGen allele CA128049.

ClinVar aggregate classification (germline): Pathogenic. Review status: criteria provided, multiple submitters, no conflicts (2 of 4 stars). 10 submissions from 9 submitters: Pathogenic (7). 3 of the submissions do not count toward it. Last evaluated 2026-03-24.

Conditions:
Fetal anomalies with a likely genetic cause.
Autosomal recessive multiple pterygium syndrome. Also called: MULTIPLE PTERYGIUM SYNDROME, ESCOBAR VARIANT; PTERYGIUM COLLI SYNDROME; PTERYGIUM SYNDROME; PTERYGIUM UNIVERSALE. Identifiers: Orphanet 2990, MedGen C0265261, MONDO:0009926, OMIM 265000.
Lethal multiple pterygium syndrome (LMPS). Identifiers: Orphanet 33108, MedGen C1854678, MONDO:0009668, OMIM 253290.

Allele frequency attached by ClinVar (database versions not stated): gnomAD 0.00001 and 0.00002; gnomAD exomes 0.00002 and 0.00003; TOPMed 0.00002; 1000 Genomes Project 0.00020; ExAC 0.00001; 1000 Genomes Project 30x 0.00016.
gnomAD v4.1: 49 of 1,614,216 alleles (0.003%); highest among the groups gnomAD compares: East Asian, 0.0045%; no homozygotes.

Submissions (10):

Genetics Laboratory, Great Ormond Street Hospital NHS Foundation Trust, North Thames Genomic Laboratory Hub
Classification: Pathogenic for Fetal anomalies with a likely genetic cause. Last evaluated: 2026-03-24. Review status: criteria provided, single submitter. Criteria: ACGS Best Practice Guidelines for Variant Classification in Rare Disease 2024 v1.2. Collection method: clinical testing. Allele origin: germline. Affected: yes.
Comment: PM2_moderate, PP3_supporting, PS3_supporting, PP1_strong, PM3_moderate

Labcorp Genetics (formerly Invitae), Labcorp
Classification: Pathogenic. Last evaluated: 2025-10-24. Review status: criteria provided, single submitter. Criteria: Invitae Variant Classification Sherloc (09022015). Collection method: clinical testing. Allele origin: germline.
Comment: This sequence change replaces arginine, which is basic and polar, with cysteine, which is neutral and slightly polar, at codon 239 of the CHRNG protein (p.Arg239Cys). This variant is present in population databases (rs121912670, gnomAD 0.003%). This missense change has been observed in individuals with CHRNG-related conditions (PMID: 16826520, 24319099, 26752647, 29054425, 30868735). This variant is also known as p.Arg217Cys. ClinVar contains an entry for this variant (Variation ID: 18337). Invitae Evidence Modeling of protein sequence and biophysical properties (such as structural, functional, and spatial information, amino acid conservation, physicochemical variation, residue mobility, and thermodynamic stability) indicates that this missense variant is expected to disrupt CHRNG protein function with a positive predictive value of 80%. Experimental studies have shown that this missense change affects CHRNG function (PMID: 16826520). For these reasons, this variant has been classified as Pathogenic.

3billion
Classification: Pathogenic for Autosomal recessive multiple pterygium syndrome. Last evaluated: 2025-06-13. Review status: criteria provided, single submitter. Criteria: ACMG Guidelines, 2015. Collection method: clinical testing. Allele origin: germline. Affected: yes.
Comment: The variant is observed at an extremely low frequency in the gnomAD v4.1.0 dataset (total allele frequency: 0.003%). Predicted Consequence/Location: Missense variant. The majority of the known disease-causing variants of this gene are variants expected to result in premature termination of the protein. In silico tool predictions suggest damaging effect of the variant on gene or gene product [REVEL: 0.96 (>=0.6, sensitivity 0.68 and specificity 0.92); 3Cnet: 0.91 (> 0.75, sensitivity 0.96 and precision 0.92)]. The same nucleotide change resulting in the same amino acid change has been previously reported as pathogenic/likely pathogenic with strong evidence (ClinVar ID: VCV000018337 /PMID: 16826520 /3billion dataset). The variant has been reported to co-segregate with the disease in at least 5 similarly affected relatives/individuals in the same family or similarly affected unrelated families (PMID: 16826520, 26752647). Therefore, this variant is classified as Pathogenic according to the recommendation of ACMG/AMP guideline.

GeneDx
Classification: Pathogenic. Last evaluated: 2024-11-21. Review status: criteria provided, single submitter. Criteria: GeneDx Variant Classification Process June 2021. Collection method: clinical testing. Allele origin: germline. Affected: yes.
Comment: Published functional studies demonstrate that variant prevents the correct localization of the fetal AChR in human embryonic kidneycell membranes (PMID: 16826520); In silico analysis supports that this missense variant has a deleterious effect on protein structure/function; Not observed at significant frequency in large population cohorts (gnomAD); This variant is associated with the following publications: (PMID: 32587836, 24319099, 16826520, 26752647, 34426522, 29054425, 31589614, 33820833, 28397220, 30868735, 34008892)

Women's Health and Genetics/Laboratory Corporation of America, LabCorp
Classification: Pathogenic for Lethal multiple pterygium syndrome. Last evaluated: 2023-02-15. Review status: criteria provided, single submitter. Criteria: LabCorp Variant Classification Summary - May 2015. Collection method: clinical testing. Allele origin: germline.
Comment: Variant summary: CHRNG c.715C>T (p.Arg239Cys) results in a non-conservative amino acid change located in the Neurotransmitter-gated ion-channel ligand-binding domain (IPR006202) of the encoded protein sequence, altering a highly conserved residue (HGMD, Hoffmann_2006). Five of five in-silico tools predict a damaging effect of the variant on protein function. The variant allele was found at a frequency of 1.6e-05 in 251486 control chromosomes. c.715C>T has been reported in the literature in multiple individuals affected with Escobar syndrome and arthrogryposis with evidence of cosegregation (Bayram_2016, Hoffmann_2006, Laquerriere_2014, Marinakis_2021), and at least one patient was reported as compound heterozygous with another likely pathogenic variant. These data indicate that the variant is very likely to be associated with disease. At least one publication reports experimental evidence evaluating an impact on protein function, finding no AChR expression at the cellular surface when transfecting HEK cells with a construct carrying the variant (Hoffmann_2006). Two submitters have provided clinical-significance assessments for this variant to ClinVar after 2014 without evidence for independent evaluation, and both classified the variant as pathogenic. Based on the evidence outlined above, the variant was classified as pathogenic.

Laboratory of Medical Genetics, National & Kapodistrian University of Athens
Classification: Pathogenic for Autosomal recessive multiple pterygium syndrome. Last evaluated: 2021-10-01. Review status: criteria provided, single submitter. Criteria: ACMG Guidelines, 2015. Collection method: clinical testing. Allele origin: unknown. Affected: yes.
Comment: PS3, PM1, PM2, PP3, PP5

Juno Genomics, Hangzhou Juno Genomics, Inc
Classification: Pathogenic for Autosomal recessive multiple pterygium syndrome; Lethal multiple pterygium syndrome. Review status: criteria provided, single submitter. Criteria: ACMG Guidelines, 2015. Collection method: clinical testing. Allele origin: germline.
Comment: Absent from controls (or at extremely low frequency if recessive) in Genome Aggregation Database.;Multiple lines of computational evidence support a deleterious effect on the gene or gene product.;For recessive disorders, detected in trans with a pathogenic variant.;Co-segregation with disease in multiple affected family members.;Patient's phenotype or family history is highly specific for a disease with a single genetic etiology.

OMIM
Classification: Pathogenic for ESCOBAR SYNDROME. Last evaluated: 2006-08-01. Review status: no assertion criteria provided. Collection method: literature only. Allele origin: germline. Not counted in ClinVar's aggregate classification.

OMIM
Classification: Pathogenic for MULTIPLE PTERYGIUM SYNDROME, LETHAL TYPE. Last evaluated: 2006-08-01. Review status: no assertion criteria provided. Collection method: literature only. Allele origin: germline. Not counted in ClinVar's aggregate classification.

Lupski Lab, Baylor-Hopkins CMG, Baylor College of Medicine
Classification: Likely pathogenic for Autosomal recessive multiple pterygium syndrome. Review status: no assertion criteria provided. Collection method: research. Allele origin: inherited. Inheritance: Autosomal recessive inheritance. Affected: yes. Observed: 11 variant alleles, 8 heterozygotes, 3 homozygotes. Not counted in ClinVar's aggregate classification.

Literature cited by the submitters: PubMed 16826520 (cited by 4 submitters); PubMed 24319099 (cited by Labcorp Genetics (formerly Invitae), Labcorp and Women's Health and Genetics/Laboratory Corporation of America, LabCorp); PubMed 26752647 (cited by 4 submitters); PubMed 29054425 (cited by Labcorp Genetics (formerly Invitae), Labcorp); PubMed 30868735 (cited by Labcorp Genetics (formerly Invitae), Labcorp and OMIM); PubMed 34008892 (cited by Women's Health and Genetics/Laboratory Corporation of America, LabCorp).